The following is an entry in ClinVar:

ClinVar aggregate classification (germline): Uncertain significance (1 of 4 stars; one submission).

Conditions:
DNMT3A-related disorder. Also called: DNMT3A-related condition; DNMT3A-related disorders.

gnomAD v4.1: 8 of 1,608,690 alleles (0.0005%); highest among the groups gnomAD compares: African/African-American, 0.0013%; no homozygotes.

Submission:

PreventionGenetics, part of Exact Sciences
Classification: Uncertain significance for DNMT3A-related condition. Last evaluated: 2025-02-09. Review status: criteria provided, single submitter. Criteria: ACMG Guidelines, 2015. Collection method: clinical testing. Allele origin: germline.
Comment: The DNMT3A c.548G>A variant is predicted to result in the amino acid substitution p.Arg183Gln. To our knowledge, this variant has not been reported in the literature. This variant is reported in 0.00094% of alleles in individuals of European (Non-Finnish) descent in gnomAD. At this time, the clinical significance of this variant is uncertain due to the absence of conclusive functional and genetic evidence.

NM_022552.5(DNMT3A):c.548G>A (p.Arg183Gln)

Gene: DNMT3A (DNA methyltransferase 3 alpha; minus strand). Cytogenetic location: 2p23.3.
Variant type: single nucleotide variant.
Coding change: c.548G>A on transcript NM_022552.5 (MANE Select); coding-DNA position 548, G replaced by A.
Protein change: p.Arg183Gln; replaces arginine 183 with glutamine.
Molecular consequence: missense variant. On other transcripts: non-coding transcript variant (1).
Genome position (GRCh38, 1-based): chr2:25,275,032, C>T on the plus strand (G>A on the coding strand, the complement: DNMT3A is on the minus strand). VCF-style: chr2-25275032-C-T. GRCh37 (hg19) VCF-style: chr2-25497901-C-T.
Other names: c.548G>A, p.Arg183Gln (NM_175629.2); short protein forms R183Q.
Identifiers: ClinVar variation 4999451 (VCV004999451.1).
Genomic context (GRCh38, chr2:25,275,032, plus strand): 5'-CGCTTGCGCTTGCTGATGTAGTAGGGGTCCCCCGCCTGGAAGGTGAGCCTCGGCATGGGC[C>T]GCTGACGGAGGCTGGACTCCCAGCCCAAGCCACCCCGCAGCCGGCCCCGGGAGCCCTAGG-3'
Protein context (NP_072046.2, residues 173-193): GLGWESSLRQ[Arg183Gln]PMPRLTFQAG